The following is an entry in ClinVar:

NC_000016.9:g.(?_70310369)_(70311077_?)del

Gene: AARS1 (alanyl-tRNA synthetase 1; minus strand). Cytogenetic location: 16q22.1.
Variant type: Deletion.
Identifiers: ClinVar variation 2424206 (VCV002424206.4).

ClinVar aggregate classification (germline): Uncertain significance (1 of 4 stars; one submission).

Conditions:
Charcot-Marie-Tooth disease type 2. Also called: Charcot-Marie-Tooth type 2. Identifiers: Orphanet 64746, MedGen C0270914, MONDO:0018993.

Submission:

Labcorp Genetics (formerly Invitae), Labcorp
Classification: Uncertain significance for Charcot-Marie-Tooth disease type 2. Last evaluated: 2022-10-05. Review status: criteria provided, single submitter. Criteria: Invitae Variant Classification Sherloc (09022015). Collection method: clinical testing. Allele origin: germline.
Comment: In summary, the available evidence is currently insufficient to determine the role of this variant in disease. Therefore, it has been classified as a Variant of Uncertain Significance. Experimental studies and prediction algorithms are not available or were not evaluated, and the functional significance of this variant is currently unknown. This variant has not been reported in the literature in individuals affected with AARS-related conditions. This variant is a gross deletion of the genomic region encompassing exon(s) 3-4 of the AARS gene. This deletion is out-of-frame, and is expected to create a premature translational stop signal and result in an absent or disrupted protein product. However, the current clinical and genetic evidence is not sufficient to establish whether loss-of-function variants in AARS cause disease.